The following is an entry in ClinVar:

ClinVar aggregate classification (germline): Uncertain significance. Review status: criteria provided, multiple submitters, no conflicts (2 of 4 stars). 2 submissions from 2 submitters: Uncertain significance (2). Last evaluated 2025-12-04.

Conditions:
Regional enteritis. Also called: Enteritis, Granulomatous. Identifiers: MedGen C0678202, MeSH D003424.
Blau syndrome (BLAUS). Also called: JABS SYNDROME; ARTHROCUTANEOUVEAL GRANULOMATOSIS; GRANULOMATOSIS, FAMILIAL JUVENILE SYSTEMIC; GRANULOMATOSIS, FAMILIAL, BLAU TYPE; GRANULOMATOUS INFLAMMATORY ARTHRITIS, DERMATITIS, AND UVEITIS, FAMILIAL. Identifiers: Orphanet 90340, MedGen C5201146, MONDO:0008523, OMIM 186580.

Allele frequency attached by ClinVar (database versions not stated): TOPMed below 0.00001; ExAC 0.00001; gnomAD 0.00001; gnomAD exomes 0.00001 and 0.00002.
gnomAD v4.1: 27 of 1,614,118 alleles (0.0017%); highest among the groups gnomAD compares: East Asian, 0.0022%; no homozygotes.

Submissions (2):

Labcorp Genetics (formerly Invitae), Labcorp
Classification: Uncertain significance for Regional enteritis; Blau syndrome. Last evaluated: 2025-12-04. Review status: criteria provided, single submitter. Criteria: Invitae Variant Classification Sherloc (09022015). Collection method: clinical testing. Allele origin: germline.
Comment: This sequence change replaces arginine, which is basic and polar, with glutamine, which is neutral and polar, at codon 744 of the NOD2 protein (p.Arg744Gln). This variant is present in population databases (rs751849531, gnomAD 0.006%). This variant has not been reported in the literature in individuals affected with NOD2-related conditions. ClinVar contains an entry for this variant (Variation ID: 1022100). Invitae Evidence Modeling of protein sequence and biophysical properties (such as structural, functional, and spatial information, amino acid conservation, physicochemical variation, residue mobility, and thermodynamic stability) indicates that this missense variant is not expected to disrupt NOD2 protein function with a negative predictive value of 95%. In summary, the available evidence is currently insufficient to determine the role of this variant in disease. Therefore, it has been classified as a Variant of Uncertain Significance.

ARUP Laboratories, Molecular Genetics and Genomics, ARUP Laboratories
Classification: Uncertain significance. Last evaluated: 2022-04-30. Review status: criteria provided, single submitter. Criteria: ARUP Molecular Germline Variant Investigation Process 2021. Collection method: clinical testing. Allele origin: germline.
Comment: The NOD2 c.2231G>A; p.Arg744Gln variant (rs751849531), to our knowledge, is not reported in the medical literature but is reported in ClinVar (Variation ID: 1022100). This variant is only observed on two chromosomes (2/251268 alleles) in the Genome Aggregation Database, indicating it is not a common polymorphism. The arginine at codon 744 is highly conserved, but computational analyses are uncertain whether this variant is neutral or deleterious (REVEL: 0.506). Additionally, computational analyses of splicing (Alamut v.2.11) predict that this variant may impact splicing by creating a novel cryptic acceptor splice site, although RNA studies would be required to confirm this. Given the lack of clinical and functional data, the significance of the p.Arg744Gln variant is uncertain at this time.

NM_001370466.1(NOD2):c.2150G>A (p.Arg717Gln)

Gene: NOD2 (nucleotide binding oligomerization domain containing 2; plus strand). Cytogenetic location: 16q12.1.
Variant type: single nucleotide variant.
Coding change: c.2150G>A on transcript NM_001370466.1 (MANE Select); coding-DNA position 2150, G replaced by A.
Protein change: p.Arg717Gln; replaces arginine 717 with glutamine.
Molecular consequence: missense variant. On other transcripts: non-coding transcript variant (1).
Genome position (GRCh38, 1-based): chr16:50,712,142, G>A. VCF-style: chr16-50712142-G-A. GRCh37 (hg19) VCF-style: chr16-50746053-G-A.
Other names: c.2150G>A, p.Arg717Gln (NM_001293557.2); c.2231G>A, p.Arg744Gln (NM_022162.3); short protein forms R717Q, R744Q.
Identifiers: ClinVar variation 1022100 (VCV001022100.10), dbSNP rs751849531, ClinGen allele CA8051733.
Genomic context (GRCh38, chr16:50,712,142, plus strand): 5'-CAGCTGCACCGGGTGAGGCCAAGAGCGTGCATGCCATGCCCGGGTTCATCTGGCTCATCC[G>A]GAGCCTGTACGAGATGCAGGAGGAGCGGCTGGCTCGGAAGGCTGCACGTGGCCTGAATGT-3'
Protein context (NP_001357395.1, residues 707-727): HAMPGFIWLI[Arg717Gln]SLYEMQEERL